The following is an entry in ClinVar:

ClinVar aggregate classification (germline): Uncertain significance. Review status: criteria provided, multiple submitters, no conflicts (2 of 4 stars). 2 submissions from 2 submitters: Uncertain significance (2). Last evaluated 2025-12-16.

Conditions:
Episodic ataxia type 1 (EA1). Also called: ATAXIA, EPISODIC, WITH MYOKYMIA; MYOKYMIA WITH PERIODIC ATAXIA; PAROXYSMAL ATAXIA WITH NEUROMYOTONIA, HEREDITARY; Episodic ataxia/myokymia syndrome. Identifiers: Orphanet 37612, Orphanet 972, MedGen C1719788, MONDO:0008047, OMIM 160120.

Submissions (2):

Labcorp Genetics (formerly Invitae), Labcorp
Classification: Uncertain significance for Episodic ataxia type 1. Last evaluated: 2025-12-16. Review status: criteria provided, single submitter. Criteria: Invitae Variant Classification Sherloc (09022015). Collection method: clinical testing. Allele origin: germline.
Comment: This sequence change replaces glutamic acid, which is acidic and polar, with valine, which is neutral and non-polar, at codon 128 of the KCNA1 protein (p.Glu128Val). This variant is not present in population databases (gnomAD no frequency). This variant has not been reported in the literature in individuals affected with KCNA1-related conditions. Invitae Evidence Modeling of protein sequence and biophysical properties (such as structural, functional, and spatial information, amino acid conservation, physicochemical variation, residue mobility, and thermodynamic stability) has been performed for this missense variant. However, the output from this modeling did not meet the statistical confidence thresholds required to predict the impact of this variant on KCNA1 protein function. In summary, the available evidence is currently insufficient to determine the role of this variant in disease. Therefore, it has been classified as a Variant of Uncertain Significance.

Blueprint Genetics
Classification: Uncertain significance. Last evaluated: 2022-02-21. Review status: criteria provided, single submitter. Criteria: ACMG Guidelines, 2015. Collection method: clinical testing. Allele origin: germline.

NM_000217.3(KCNA1):c.383A>T (p.Glu128Val)

Gene: KCNA1 (potassium voltage-gated channel subfamily A member 1; plus strand). Cytogenetic location: 12p13.32.
Variant type: single nucleotide variant.
Coding change: c.383A>T on transcript NM_000217.3 (MANE Select); coding-DNA position 383, A replaced by T.
Protein change: p.Glu128Val; replaces glutamic acid 128 with valine.
Molecular consequence: missense variant.
Genome position (GRCh38, 1-based): chr12:4,911,761, A>T. VCF-style: chr12-4911761-A-T. GRCh37 (hg19) VCF-style: chr12-5020927-A-T.
Other names: short protein forms E128V.
Identifiers: ClinVar variation 4765297 (VCV004765297.2).